The following is an entry in ClinVar:

ClinVar aggregate classification (germline): Conflicting classifications of pathogenicity. Review status: criteria provided, conflicting classifications (1 of 4 stars). 4 submissions from 4 submitters: Uncertain significance (1); Benign (2). 1 of the submissions does not count toward it. Last evaluated 2026-02-04.

Conditions:
Usher syndrome type 1 (USH1). Also called: RETINITIS PIGMENTOSA AND CONGENITAL DEAFNESS. Identifiers: Orphanet 231169, Orphanet 886, MedGen C1568247, MONDO:0010168, OMIM 276900.
Usher syndrome type 1D (USH1D). Also called: USHER SYNDROME, TYPE ID. Identifiers: Orphanet 231169, Orphanet 886, MedGen C1832845, MONDO:0010984, OMIM 601067.

Submissions (4):

Labcorp Genetics (formerly Invitae), Labcorp
Classification: Benign. Last evaluated: 2026-02-04. Review status: criteria provided, single submitter. Criteria: Invitae Variant Classification Sherloc (09022015). Collection method: clinical testing. Allele origin: germline.

GeneDx
Classification: Benign. Last evaluated: 2017-03-16. Review status: criteria provided, single submitter. Criteria: GeneDx Variant Classification (06012015). Collection method: clinical testing. Allele origin: germline. Affected: yes.
Comment: This variant is considered likely benign or benign based on one or more of the following criteria: it is a conservative change, it occurs at a poorly conserved position in the protein, it is predicted to be benign by multiple in silico algorithms, and/or has population frequency not consistent with disease.

Molecular Genetics Laboratory; Baylor College of Medicine
Classification: Uncertain significance. Review status: criteria provided, single submitter. Criteria: Submitter's publication. Collection method: not provided. Allele origin: unknown.
ClinVar note: Converted during submission from unknown to Uncertain significance.

Natera, Inc.
Classification: Benign for Usher syndrome type 1. Last evaluated: 2020-09-16. Review status: no assertion criteria provided. Collection method: clinical testing. Allele origin: germline. Not counted in ClinVar's aggregate classification.

NM_022124.6(CDH23):c.9510+19_9510+25del

Gene: CDH23 (cadherin related 23; plus strand). Cytogenetic location: 10q22.1.
Variant type: Deletion.
Coding change: c.9510+19_9510+25del on transcript NM_022124.6 (MANE Select); bases 19 to 25 of the intron after coding-DNA position 9510, 7 bases deleted (GGCATCA; older notation c.9510+19_9510+25delGGCATCA).
Molecular consequence: intron variant.
Genome position (GRCh38, 1-based): chr10:71,812,628-71,812,634, GGCATCA deleted; deleting any 7 consecutive bases within chr10:71,812,625-71,812,634 gives the same sequence; the c. name uses the placement nearest the transcript's 3' end. VCF-style (leftmost placement, unchanged base first): chr10-71812624-GTCAGGCA-G. GRCh37 (hg19) VCF-style: chr10-73572381-GTCAGGCA-G.
Other names: c.2790+19_2790+25del (NM_001171933.1, NM_001171934.1); c.201+19_201+25del (NM_001171935.1, NM_001171936.1); c.9510+16_9510+22delTCAGGCA (NM_022124.5); c.9510+19_9510+25delGGCATCA (NM_022124.6, NM_022124.3).
Identifiers: ClinVar variation 133306 (VCV000133306.13), dbSNP rs149704197, ClinGen allele CA269907.